The following is an entry in ClinVar:

ClinVar aggregate classification (germline): Uncertain significance. Review status: criteria provided, multiple submitters, no conflicts (2 of 4 stars). 4 submissions from 4 submitters: Uncertain significance (3). 1 of the submissions does not count toward it. Last evaluated 2021-08-26.

Conditions:
Neuromuscular disease caused by qualitative or quantitative defects of dysferlin. Also called: Qualitative or quantitative defects of dysferlin; Dysferlinopathy. Identifiers: Orphanet 207073, MedGen C2931687, MONDO:0016145.
Autosomal recessive limb-girdle muscular dystrophy type 2B (LGMDR2). Also called: MUSCULAR DYSTROPHY, LIMB-GIRDLE, AUTOSOMAL RECESSIVE 2; Limb-Girdle Muscular Dystrophy Type 2B (LGMD2B); Limb-girdle muscular dystrophy, type 2B; MUSCULAR DYSTROPHY, LIMB-GIRDLE, TYPE 3. Identifiers: Orphanet 268, MedGen C1850889, MONDO:0009676, OMIM 253601.

Allele frequency attached by ClinVar (database versions not stated): gnomAD 0.00001; TOPMed 0.00001.
gnomAD v4.1: 2 of 1,613,804 alleles (0.00012%); highest among the groups gnomAD compares: Non-Finnish European, 0.00017%; no homozygotes.

Submissions (4):

Labcorp Genetics (formerly Invitae), Labcorp
Classification: Uncertain significance for Neuromuscular disease caused by qualitative or quantitative defects of dysferlin. Last evaluated: 2021-08-26. Review status: criteria provided, single submitter. Criteria: Invitae Variant Classification Sherloc (09022015). Collection method: clinical testing. Allele origin: germline.
Comment: This sequence change replaces leucine with proline at codon 1789 of the DYSF protein (p.Leu1789Pro). The leucine residue is moderately conserved and there is a moderate physicochemical difference between leucine and proline. This variant is not present in population databases (ExAC no frequency). This variant has not been reported in the literature in individuals affected with DYSF-related conditions. ClinVar contains an entry for this variant (Variation ID: 167029). Algorithms developed to predict the effect of missense changes on protein structure and function are either unavailable or do not agree on the potential impact of this missense change (SIFT: "Deleterious"; PolyPhen-2: "Possibly Damaging"; Align-GVGD: "Class C0"). In summary, the available evidence is currently insufficient to determine the role of this variant in disease. Therefore, it has been classified as a Variant of Uncertain Significance.

Athena Diagnostics
Classification: Uncertain significance. Last evaluated: 2021-07-16. Review status: criteria provided, single submitter. Criteria: Athena Diagnostics Criteria. Collection method: clinical testing. Allele origin: unknown.

Eurofins Ntd Llc (ga)
Classification: Uncertain significance. Last evaluated: 2016-10-03. Review status: criteria provided, single submitter. Criteria: EGL Classification Definitions 2015. Collection method: clinical testing. Allele origin: germline. Observed: 2 variant alleles, 2 heterozygotes.

Natera, Inc.
Classification: Uncertain significance for Limb-girdle muscular dystrophy type 2B. Last evaluated: 2021-02-10. Review status: no assertion criteria provided. Collection method: clinical testing. Allele origin: germline. Not counted in ClinVar's aggregate classification.

NM_001130987.2(DYSF):c.5483T>C (p.Leu1828Pro)

Gene: DYSF (dysferlin; plus strand). Cytogenetic location: 2p13.2.
Variant type: single nucleotide variant.
Coding change: c.5483T>C on transcript NM_001130987.2 (MANE Select); coding-DNA position 5483, T replaced by C.
Protein change: p.Leu1828Pro; replaces leucine 1828 with proline.
Molecular consequence: missense variant.
Genome position (GRCh38, 1-based): chr2:71,668,779, T>C. VCF-style: chr2-71668779-T-C. GRCh37 (hg19) VCF-style: chr2-71895909-T-C.
Other names: c.5369T>C, p.Leu1790Pro (NM_001130455.2); c.5324T>C, p.Leu1775Pro (NM_001130976.2); c.5387T>C, p.Leu1796Pro (NM_001130977.2); c.5429T>C, p.Leu1810Pro (NM_001130978.2); c.5459T>C, p.Leu1820Pro (NM_001130979.2); c.5417T>C, p.Leu1806Pro (NM_001130980.2); c.5480T>C, p.Leu1827Pro (NM_001130981.2); c.5462T>C, p.Leu1821Pro (NM_001130982.2); and 5 more; short protein forms L1789P, L1828P, L1776P, L1797P, L1790P, L1796P, L1807P, L1810P.
Identifiers: ClinVar variation 167029 (VCV000167029.11), dbSNP rs727503914, ClinGen allele CA233944.